The following is an entry in ClinVar:

ClinVar aggregate classification (germline): Uncertain significance. Review status: criteria provided, multiple submitters, no conflicts (2 of 4 stars). 2 submissions from 2 submitters: Uncertain significance (2). Last evaluated 2025-03-17.

Allele frequency attached by ClinVar (database versions not stated): gnomAD exomes 0.00010 and 0.00011; ExAC 0.00012; ESP Exome Variant Server 0.00016; gnomAD 0.00004 and 0.00006; TOPMed 0.00004.
gnomAD v4.1: 147 of 1,609,420 alleles (0.0091%); highest among the groups gnomAD compares: South Asian, 0.089%; 1 homozygote.

Submissions (2):

Labcorp Genetics (formerly Invitae), Labcorp
Classification: Uncertain significance. Last evaluated: 2025-03-17. Review status: criteria provided, single submitter. Criteria: Invitae Variant Classification Sherloc (09022015). Collection method: clinical testing. Allele origin: germline.
Comment: This sequence change falls in intron 11 of the KIDINS220 gene. It does not directly change the encoded amino acid sequence of the KIDINS220 protein. It affects a nucleotide within the consensus splice site. This variant is present in population databases (rs372119995, gnomAD 0.06%). This variant has not been reported in the literature in individuals affected with KIDINS220-related conditions. ClinVar contains an entry for this variant (Variation ID: 1419249). Variants that disrupt the consensus splice site are a relatively common cause of aberrant splicing (PMID: 17576681, 9536098). Algorithms developed to predict the effect of sequence changes on RNA splicing suggest that this variant may disrupt the consensus splice site. In summary, the available evidence is currently insufficient to determine the role of this variant in disease. Therefore, it has been classified as a Variant of Uncertain Significance.

CeGaT Center for Human Genetics Tuebingen
Classification: Uncertain significance. Last evaluated: 2025-01-01. Review status: criteria provided, single submitter. Criteria: CeGaT Center For Human Genetics Tuebingen Variant Classification Criteria Version 2. Collection method: clinical testing. Allele origin: germline. Affected: yes. Observed: 1 variant allele.
Comment: KIDINS220: PM2

Literature cited by the submitters: PubMed 17576681 (cited by Labcorp Genetics (formerly Invitae), Labcorp); PubMed 9536098 (cited by Labcorp Genetics (formerly Invitae), Labcorp).

NM_020738.4(KIDINS220):c.1098+4A>G

Gene: KIDINS220 (kinase D interacting substrate 220; minus strand). Cytogenetic location: 2p25.1.
Variant type: single nucleotide variant.
Coding change: c.1098+4A>G on transcript NM_020738.4 (MANE Select); 4 bases into the intron after coding-DNA position 1098, A replaced by G.
Molecular consequence: intron variant.
Genome position (GRCh38, 1-based): chr2:8,796,767, T>C on the plus strand (A>G on the coding strand, the complement: KIDINS220 is on the minus strand). VCF-style: chr2-8796767-T-C. GRCh37 (hg19) VCF-style: chr2-8936897-T-C.
Other names: c.1098+4A>G (NM_001348741.2, NM_001348738.2, NM_001348742.2 and 3 more transcripts); c.1101+4A>G (NM_001348739.2, NM_001348740.2, NM_001348734.2 and 3 more transcripts); c.972+4A>G (NM_001348736.2).
Identifiers: ClinVar variation 1419249 (VCV001419249.19), dbSNP rs372119995, ClinGen allele CA1520269.
Genomic context (GRCh38, chr2:8,796,767, plus strand): 5'-TCCATATAGAGGTCAGTCGACCAACAGCTTTCCATACAGTGTTCTCTCCGCACAGATGTT[T>C]TACCTTATCTACAGCAGACACTTTAGCACCTTTATCTAGCAGCAGCTCCACCACTTCAAT-3'